The following is an entry in ClinVar:

ClinVar aggregate classification (germline): Uncertain significance (1 of 4 stars; one submission).

Allele frequency attached by ClinVar (database versions not stated): gnomAD 0.00001; gnomAD exomes 0.00001.

Submission:

Labcorp Genetics (formerly Invitae), Labcorp
Classification: Uncertain significance. Last evaluated: 2023-11-16. Review status: criteria provided, single submitter. Criteria: Invitae Variant Classification Sherloc (09022015). Collection method: clinical testing. Allele origin: germline.
Comment: This sequence change replaces lysine, which is basic and polar, with threonine, which is neutral and polar, at codon 81 of the RAX2 protein (p.Lys81Thr). This variant is present in population databases (no rsID available, gnomAD 0.004%). This variant has not been reported in the literature in individuals affected with RAX2-related conditions. An algorithm developed to predict the effect of missense changes on protein structure and function (PolyPhen-2) suggests that this variant is likely to be disruptive. In summary, the available evidence is currently insufficient to determine the role of this variant in disease. Therefore, it has been classified as a Variant of Uncertain Significance.

NM_001319074.4(RAX2):c.242A>C (p.Lys81Thr)

Gene: RAX2 (retina and anterior neural fold homeobox 2; minus strand). Cytogenetic location: 19p13.3.
Variant type: single nucleotide variant.
Coding change: c.242A>C on transcript NM_001319074.4 (MANE Select); coding-DNA position 242, A replaced by C.
Protein change: p.Lys81Thr; replaces lysine 81 with threonine.
Molecular consequence: missense variant.
Genome position (GRCh38, 1-based): chr19:3,770,934, T>G on the plus strand (A>C on the coding strand, the complement: RAX2 is on the minus strand). VCF-style: chr19-3770934-T-G. GRCh37 (hg19) VCF-style: chr19-3770932-T-G.
Other names: c.242A>C, p.Lys81Thr (NM_032753.4); short protein forms K81T.
Identifiers: ClinVar variation 2827088 (VCV002827088.3), dbSNP rs1359067275, ClinGen allele CA403375108.